The following is an entry in ClinVar:

ClinVar aggregate classification (germline): Uncertain significance (1 of 4 stars; one submission).

Conditions:
Left ventricular noncompaction 1 (LVNC1). Also called: LEFT VENTRICULAR NONCOMPACTION 1 WITH OR WITHOUT CONGENITAL HEART DEFECTS. Identifiers: Orphanet 54260, MedGen C1858725, MONDO:0011403, OMIM 604169.

Submission:

Labcorp Genetics (formerly Invitae), Labcorp
Classification: Uncertain significance for Left ventricular noncompaction 1. Last evaluated: 2022-07-15. Review status: criteria provided, single submitter. Criteria: Invitae Variant Classification Sherloc (09022015). Collection method: clinical testing. Allele origin: germline.
Comment: This variant has not been reported in the literature in individuals affected with DTNA-related conditions. In summary, the available evidence is currently insufficient to determine the role of this variant in disease. Therefore, it has been classified as a Variant of Uncertain Significance. Variants that disrupt the consensus splice site are a relatively common cause of aberrant splicing (PMID: 17576681, 9536098). Algorithms developed to predict the effect of sequence changes on RNA splicing suggest that this variant is not likely to affect RNA splicing. This variant is not present in population databases (gnomAD no frequency). This sequence change affects codon 554 of the DTNA mRNA. It is a 'silent' change, meaning that it does not change the encoded amino acid sequence of the DTNA protein. This variant also falls at the last nucleotide of exon 16, which is part of the consensus splice site for this exon.

Literature cited by the submitters: PubMed 17576681; PubMed 9536098.

NM_001386795.1(DTNA):c.1743G>A (p.Lys581=)

Gene: DTNA (dystrobrevin alpha; plus strand). Cytogenetic location: 18q12.1.
Variant type: single nucleotide variant.
Coding change: c.1743G>A on transcript NM_001386795.1 (MANE Select); coding-DNA position 1743, G replaced by A.
Protein change: p.Lys581=; no amino-acid change (lysine 581 retained).
Molecular consequence: synonymous variant.
Genome position (GRCh38, 1-based): chr18:34,864,062, G>A. VCF-style: chr18-34864062-G-A. GRCh37 (hg19) VCF-style: chr18-32444026-G-A.
Other names: c.1482G>A, p.Lys494= (NM_001198938.2, NM_001198939.2, NM_001198940.2 and 9 more transcripts); c.789G>A, p.Lys263= (NM_001198942.1); c.732G>A, p.Lys244= (NM_001198943.1); c.618G>A, p.Lys206= (NM_001198944.1); c.912G>A, p.Lys304= (NM_001198945.2); c.1572G>A, p.Lys524= (NM_001386754.1, NM_001386755.1, NM_001386756.1 and 4 more transcripts); c.1569G>A, p.Lys523= (NM_001386760.1); c.1491G>A, p.Lys497= (NM_001386761.1, NM_032975.4, NM_032979.5); and 7 more.
Identifiers: ClinVar variation 2017509 (VCV002017509.4), dbSNP rs2521270930, ClinGen allele CA503619380.